The following is an entry in ClinVar:

ClinVar aggregate classification (germline): Uncertain significance (1 of 4 stars; one submission).

Submission:

GeneDx
Classification: Uncertain significance. Last evaluated: 2025-04-06. Review status: criteria provided, single submitter. Criteria: GeneDx Variant Classification Process June 2021. Collection method: clinical testing. Allele origin: germline.
Comment: Not observed at significant frequency in large population cohorts (gnomAD); In silico analysis supports that this missense variant has a deleterious effect on protein structure/function; Has not been previously published as pathogenic or benign to our knowledge

NM_003482.4(KMT2D):c.8089C>T (p.Arg2697Cys)

Gene: KMT2D (lysine methyltransferase 2D; minus strand). Cytogenetic location: 12q13.12.
Variant type: single nucleotide variant.
Coding change: c.8089C>T on transcript NM_003482.4 (MANE Select); coding-DNA position 8089, C replaced by T.
Protein change: p.Arg2697Cys; replaces arginine 2697 with cysteine.
Molecular consequence: missense variant.
Genome position (GRCh38, 1-based): chr12:49,039,575, G>A on the plus strand (C>T on the coding strand, the complement: KMT2D is on the minus strand). VCF-style: chr12-49039575-G-A. GRCh37 (hg19) VCF-style: chr12-49433358-G-A.
Other names: short protein forms R2697C.
Identifiers: ClinVar variation 3573759 (VCV003573759.2).
Genomic context (GRCh38, chr12:49,039,575, plus strand): 5'-GAGGCCCCACTGCTCCTGCAGCTGCTGCAGCTGTTTCCTTCTCCTGCCGCAGGGTGTTGC[G>A]CTGGATCTGCTGCCGAATCAGCAGCTCTCGTAGTCGCTGGCGCTATGCAAAAAAAAGAGA-3'
Protein context (NP_003473.3, residues 2687-2707): RELLIRQQIQ[Arg2697Cys]NTLRQEKETA